The following is an entry in ClinVar:

ClinVar aggregate classification (germline): Uncertain significance. Review status: criteria provided, multiple submitters, no conflicts (2 of 4 stars). 2 submissions from 2 submitters: Uncertain significance (2). Last evaluated 2024-10-30.

Conditions:
Atypical hemolytic-uremic syndrome with thrombomodulin anomaly. Also called: HEMOLYTIC UREMIC SYNDROME, ATYPICAL, SUSCEPTIBILITY TO, 6; AHUS, SUSCEPTIBILITY TO, 6. Identifiers: MedGen C2752036, MONDO:0013044, OMIM 612926. Disease mechanism: gain of function.
Thrombomodulin-related bleeding disorder (THPH12). Also called: Thrombophilia due to thrombomodulin defect. Identifiers: Orphanet 436169, MedGen C3280976, MONDO:0013775, OMIM 614486.

Allele frequency attached by ClinVar (database versions not stated): TOPMed below 0.00001; gnomAD exomes 0.00002.

Submissions (2):

Labcorp Genetics (formerly Invitae), Labcorp
Classification: Uncertain significance. Last evaluated: 2024-10-30. Review status: criteria provided, single submitter. Criteria: Invitae Variant Classification Sherloc (09022015). Collection method: clinical testing. Allele origin: germline.
Comment: This sequence change replaces glycine, which is neutral and non-polar, with serine, which is neutral and polar, at codon 477 of the THBD protein (p.Gly477Ser). This variant is not present in population databases (gnomAD no frequency). This variant has not been reported in the literature in individuals affected with THBD-related conditions. ClinVar contains an entry for this variant (Variation ID: 2993907). An algorithm developed to predict the effect of missense changes on protein structure and function outputs the following: PolyPhen-2: "Benign". The serine amino acid residue is found in multiple mammalian species, which suggests that this missense change does not adversely affect protein function. In summary, the available evidence is currently insufficient to determine the role of this variant in disease. Therefore, it has been classified as a Variant of Uncertain Significance.

Fulgent Genetics
Classification: Uncertain significance for Atypical hemolytic-uremic syndrome with thrombomodulin anomaly; Thrombomodulin-related bleeding disorder. Last evaluated: 2024-02-20. Review status: criteria provided, single submitter. Criteria: ACMG Guidelines, 2015. Collection method: clinical testing. Allele origin: germline.

NM_000361.3(THBD):c.1429G>A (p.Gly477Ser)

Gene: THBD (thrombomodulin; minus strand). Cytogenetic location: 20p11.21.
Variant type: single nucleotide variant.
Coding change: c.1429G>A on transcript NM_000361.3 (MANE Select); coding-DNA position 1429, G replaced by A.
Protein change: p.Gly477Ser; replaces glycine 477 with serine.
Molecular consequence: missense variant.
Genome position (GRCh38, 1-based): chr20:23,048,076, C>T on the plus strand (G>A on the coding strand, the complement: THBD is on the minus strand). VCF-style: chr20-23048076-C-T. GRCh37 (hg19) VCF-style: chr20-23028713-C-T.
Other names: short protein forms G477S.
Identifiers: ClinVar variation 2993907 (VCV002993907.4), dbSNP rs1338801052, ClinGen allele CA408405541.